The following is an entry in ClinVar:

ClinVar aggregate classification (germline): Likely benign (1 of 4 stars; one submission).

gnomAD v4.1: 23 of 982,318 alleles (0.0023%); highest among the groups gnomAD compares: Non-Finnish European, 0.0028%; no homozygotes.

Submission:

CeGaT Center for Human Genetics Tuebingen
Classification: Likely benign. Last evaluated: 2025-11-01. Review status: criteria provided, single submitter. Criteria: CeGaT Center For Human Genetics Tuebingen Variant Classification Criteria Version 2. Collection method: clinical testing. Allele origin: germline. Affected: yes. Observed: 1 variant allele.
Comment: CEP290: BP4, BP7

NM_025114.4(CEP290):c.1825-599A>C

Gene: CEP290 (centrosomal protein 290; minus strand). Cytogenetic location: 12q21.32.
Variant type: single nucleotide variant.
Coding change: c.1825-599A>C on transcript NM_025114.4 (MANE Select); 599 bases into the intron before coding-DNA position 1825, A replaced by C.
Molecular consequence: intron variant.
Genome position (GRCh38, 1-based): chr12:88,115,781, T>G on the plus strand (A>C on the coding strand, the complement: CEP290 is on the minus strand). VCF-style: chr12-88115781-T-G. GRCh37 (hg19) VCF-style: chr12-88509558-T-G.
Identifiers: ClinVar variation 4534755 (VCV004534755.6).